The following is an entry in ClinVar:

NM_138413.4(HOGA1):c.529G>T (p.Asp177Tyr)

Gene: HOGA1 (4-hydroxy-2-oxoglutarate aldolase 1; plus strand). Cytogenetic location: 10q24.2.
Variant type: single nucleotide variant.
Coding change: c.529G>T on transcript NM_138413.4 (MANE Select); coding-DNA position 529, G replaced by T.
Protein change: p.Asp177Tyr; replaces aspartic acid 177 with tyrosine.
Molecular consequence: missense variant. On other transcripts: intron variant (1).
Genome position (GRCh38, 1-based): chr10:97,599,740, G>T. VCF-style: chr10-97599740-G-T. GRCh37 (hg19) VCF-style: chr10-99359497-G-T.
Other names: c.212-2117G>T (NM_001134670.2); short protein forms D177Y.
Identifiers: ClinVar variation 204272 (VCV000204272.5), dbSNP rs777601935, ClinGen allele CA203953.

ClinVar aggregate classification (germline): Conflicting classifications of pathogenicity. Review status: criteria provided, conflicting classifications (1 of 4 stars). 3 submissions from 3 submitters: Likely pathogenic (1); Uncertain significance (1). 1 of the submissions does not count toward it. Last evaluated 2023-10-27.

Conditions:
Primary hyperoxaluria type 3. Also called: PH III. Identifiers: Orphanet 416, Orphanet 93600, MedGen C3150878, MONDO:0013327, OMIM 613616. Disease mechanism: loss of function.

Allele frequency attached by ClinVar (database versions not stated): gnomAD 0.00001; TOPMed 0.00003.
gnomAD v4.1: 9 of 1,614,058 alleles (0.00056%); highest among the groups gnomAD compares: Non-Finnish European, 0.00042%; no homozygotes.

Submissions (3):

Clinical Biochemistry Laboratory, Health Services Laboratory
Classification: Likely pathogenic for Primary hyperoxaluria type 3. Last evaluated: 2023-10-27. Review status: criteria provided, single submitter. Criteria: ACMG Guidelines, 2015. Collection method: clinical testing. Allele origin: germline. Affected: yes.
Comment: ACMG: PM1 PM2 PM3 PM5 PP3

Fulgent Genetics
Classification: Uncertain significance for Primary hyperoxaluria type 3. Last evaluated: 2022-03-02. Review status: criteria provided, single submitter. Criteria: ACMG Guidelines, 2015. Collection method: clinical testing. Allele origin: unknown.

Counsyl
Classification: Uncertain significance for Primary hyperoxaluria type 3. Last evaluated: 2017-12-27. Review status: no assertion criteria provided. Collection method: clinical testing. Allele origin: unknown. Not counted in ClinVar's aggregate classification.